The following is an entry in ClinVar:

NM_024537.4(CARS2):c.1177G>A (p.Ala393Thr)

Gene: CARS2 (cysteinyl-tRNA synthetase 2, mitochondrial; minus strand). Cytogenetic location: 13q34.
Variant type: single nucleotide variant.
Coding change: c.1177G>A on transcript NM_024537.4 (MANE Select); coding-DNA position 1177, G replaced by A.
Protein change: p.Ala393Thr; replaces alanine 393 with threonine.
Molecular consequence: missense variant. On other transcripts: non-coding transcript variant (2).
Genome position (GRCh38, 1-based): chr13:110,647,117, C>T on the plus strand (G>A on the coding strand, the complement: CARS2 is on the minus strand). VCF-style: chr13-110647117-C-T. GRCh37 (hg19) VCF-style: chr13-111299464-C-T.
Other names: c.391G>A, p.Ala131Thr (NM_001352252.2); short protein forms A393T, A131T.
Identifiers: ClinVar variation 569829 (VCV000569829.9), dbSNP rs868498923, ClinGen allele CA388743933.

ClinVar aggregate classification (germline): Uncertain significance (1 of 4 stars; one submission).

Conditions:
Combined oxidative phosphorylation defect type 27. Also called: Combined oxidative phosphorylation deficiency 27. Identifiers: Orphanet 477774, MedGen C5567608, MONDO:0014728, OMIM 616672.

gnomAD v4.1: 4 of 1,595,984 alleles (0.00025%); highest among the groups gnomAD compares: African/African-American, 0.0013%; no homozygotes.

Submission:

Labcorp Genetics (formerly Invitae), Labcorp
Classification: Uncertain significance for Combined oxidative phosphorylation defect type 27. Last evaluated: 2025-05-18. Review status: criteria provided, single submitter. Criteria: Invitae Variant Classification Sherloc (09022015). Collection method: clinical testing. Allele origin: germline.
Comment: This sequence change replaces alanine, which is neutral and non-polar, with threonine, which is neutral and polar, at codon 393 of the CARS2 protein (p.Ala393Thr). This variant is not present in population databases (gnomAD no frequency). This variant has not been reported in the literature in individuals affected with CARS2-related conditions. ClinVar contains an entry for this variant (Variation ID: 569829). An algorithm developed to predict the effect of missense changes on protein structure and function (PolyPhen-2) suggests that this variant is likely to be tolerated. In summary, the available evidence is currently insufficient to determine the role of this variant in disease. Therefore, it has been classified as a Variant of Uncertain Significance.